The following is an entry in ClinVar:

NM_014967.5(FAN1):c.2116C>G (p.Arg706Gly)

Genes: FAN1 (FANCD2 and FANCI associated nuclease 1; plus strand), MTMR10 (myotubularin related protein 10; minus strand). Cytogenetic location: 15q13.3.
Variant type: single nucleotide variant.
Coding change: c.2116C>G on transcript NM_014967.5 (MANE Select); coding-DNA position 2116, C replaced by G.
Protein change: p.Arg706Gly; replaces arginine 706 with glycine.
Molecular consequence: missense variant.
Genome position (GRCh38, 1-based): chr15:30,922,298, C>G. VCF-style: chr15-30922298-C-G. GRCh37 (hg19) VCF-style: chr15-31214501-C-G.
Other names: short protein forms R706G.
Identifiers: ClinVar variation 1950798 (VCV001950798.5), dbSNP rs377430472, ClinGen allele CA7450500.
Genomic context (GRCh38, chr15:30,922,298, plus strand): 5'-GCCGTCAGAGAACTTGAAAGCCTTTTGTCTCAGAGAATTTATTGTCCTGACAGCAGAGGC[C>G]GATGGTGGGATCGACTGGCCCTTAATTTACACCAGCACTTGAAGCGCCTGGAACCGGTAC-3'
Protein context (NP_055782.3, residues 696-716): QRIYCPDSRG[Arg706Gly]WWDRLALNLH

ClinVar aggregate classification (germline): Uncertain significance (1 of 4 stars; one submission).

Allele frequency attached by ClinVar (database versions not stated): ESP Exome Variant Server 0.00008.
gnomAD v4.1: 56 of 1,613,754 alleles (0.0035%); highest among the groups gnomAD compares: Non-Finnish European, 0.0047%; no homozygotes.

Submission:

Labcorp Genetics (formerly Invitae), Labcorp
Classification: Uncertain significance. Last evaluated: 2022-05-15. Review status: criteria provided, single submitter. Criteria: Invitae Variant Classification Sherloc (09022015). Collection method: clinical testing. Allele origin: germline.
Comment: This variant is present in population databases (rs377430472, gnomAD 0.003%). This variant has not been reported in the literature in individuals affected with FAN1-related conditions. This sequence change replaces arginine, which is basic and polar, with glycine, which is neutral and non-polar, at codon 706 of the FAN1 protein (p.Arg706Gly). Algorithms developed to predict the effect of missense changes on protein structure and function are either unavailable or do not agree on the potential impact of this missense change (SIFT: "Tolerated"; PolyPhen-2: "Probably Damaging"; Align-GVGD: "Class C15"). In summary, the available evidence is currently insufficient to determine the role of this variant in disease. Therefore, it has been classified as a Variant of Uncertain Significance.